The following is an entry in ClinVar:

NM_015295.3(SMCHD1):c.340C>T (p.Arg114Ter)

Gene: SMCHD1 (structural maintenance of chromosomes flexible hinge domain containing 1; plus strand). Cytogenetic location: 18p11.32.
Variant type: single nucleotide variant.
Coding change: c.340C>T on transcript NM_015295.3 (MANE Select); coding-DNA position 340, C replaced by T.
Protein change: p.Arg114Ter; replaces arginine 114 with a stop codon.
Molecular consequence: nonsense.
Genome position (GRCh38, 1-based): chr18:2,666,947, C>T. VCF-style: chr18-2666947-C-T. GRCh37 (hg19) VCF-style: chr18-2666946-C-T.
Other names: short protein forms R114*.
Identifiers: ClinVar variation 1072742 (VCV001072742.7), dbSNP rs2143805963, ClinGen allele CA401687927.

ClinVar aggregate classification (germline): Pathogenic (1 of 4 stars; one submission).

Conditions:
Facioscapulohumeral muscular dystrophy 2 (FSHD2). Also called: FACIOSCAPULOHUMERAL MUSCULAR DYSTROPHY 2, DIGENIC; FSHD2, DIGENIC; MUSCULAR DYSTROPHY, FACIOSCAPULOHUMERAL, TYPE 1B. Identifiers: Orphanet 269, MedGen C1834671, MONDO:0008031, OMIM 158901.

Allele frequency attached by ClinVar (database versions not stated): gnomAD exomes below 0.00001.

Submission:

Labcorp Genetics (formerly Invitae), Labcorp
Classification: Pathogenic for Facioscapulohumeral muscular dystrophy 2. Last evaluated: 2022-11-08. Review status: criteria provided, single submitter. Criteria: Invitae Variant Classification Sherloc (09022015). Collection method: clinical testing. Allele origin: germline.
Comment: This variant is not present in population databases (gnomAD no frequency). This sequence change creates a premature translational stop signal (p.Arg114*) in the SMCHD1 gene. It is expected to result in an absent or disrupted protein product. Loss-of-function variants in SMCHD1 are known to be pathogenic (PMID: 23143600). This variant has not been reported in the literature in individuals affected with SMCHD1-related conditions. ClinVar contains an entry for this variant (Variation ID: 1072742). For these reasons, this variant has been classified as Pathogenic.

Literature cited by the submitters: PubMed 23143600.